The following is an entry in ClinVar:

ClinVar aggregate classification (germline): Uncertain significance (1 of 4 stars; one submission).

Conditions:
Cardiovascular phenotype. Identifiers: MedGen CN230736.

Submission:

Ambry Genetics
Classification: Uncertain significance for Cardiovascular phenotype. Last evaluated: 2025-02-22. Review status: criteria provided, single submitter. Criteria: Ambry Variant Classification Scheme 2023. Collection method: clinical testing. Allele origin: germline.
Comment: The p.S554R variant (also known as c.1662T>A), located in coding exon 14 of the PTPN11 gene, results from a T to A substitution at nucleotide position 1662. The serine at codon 554 is replaced by arginine, an amino acid with dissimilar properties. This amino acid position is conserved. In addition, this alteration is predicted to be tolerated by in silico analysis. Based on the available evidence, the clinical significance of this variant remains unclear.

NM_002834.5(PTPN11):c.1662T>A (p.Ser554Arg)

Gene: PTPN11 (protein tyrosine phosphatase non-receptor type 11; plus strand). Cytogenetic location: 12q24.13.
Variant type: single nucleotide variant.
Coding change: c.1662T>A on transcript NM_002834.5 (MANE Select); coding-DNA position 1662, T replaced by A.
Protein change: p.Ser554Arg; replaces serine 554 with arginine.
Molecular consequence: missense variant.
Genome position (GRCh38, 1-based): chr12:112,502,206, T>A. VCF-style: chr12-112502206-T-A. GRCh37 (hg19) VCF-style: chr12-112940010-T-A.
Other names: c.1674T>A, p.Ser558Arg (NM_001330437.2); c.1659T>A, p.Ser553Arg (NM_001374625.1); short protein forms S554R, S558R, S553R.
Identifiers: ClinVar variation 3784971 (VCV003784971.1).